The following is an entry in ClinVar:

ClinVar aggregate classification (germline): Uncertain significance. Review status: criteria provided, multiple submitters, no conflicts (2 of 4 stars). 2 submissions from 2 submitters: Uncertain significance (2). Last evaluated 2023-11-27.

Submissions (2):

Labcorp Genetics (formerly Invitae), Labcorp
Classification: Uncertain significance. Last evaluated: 2023-11-27. Review status: criteria provided, single submitter. Criteria: Invitae Variant Classification Sherloc (09022015). Collection method: clinical testing. Allele origin: germline.
Comment: This sequence change replaces alanine, which is neutral and non-polar, with glycine, which is neutral and non-polar, at codon 69 of the ROM1 protein (p.Ala69Gly). This variant is not present in population databases (gnomAD no frequency). This variant has not been reported in the literature in individuals affected with ROM1-related conditions. ClinVar contains an entry for this variant (Variation ID: 1360642). Advanced modeling of protein sequence and biophysical properties (such as structural, functional, and spatial information, amino acid conservation, physicochemical variation, residue mobility, and thermodynamic stability) performed at Invitae indicates that this missense variant is not expected to disrupt ROM1 protein function with a negative predictive value of 80%. In summary, the available evidence is currently insufficient to determine the role of this variant in disease. Therefore, it has been classified as a Variant of Uncertain Significance.

Ambry Genetics
Classification: Uncertain significance. Last evaluated: 2022-12-28. Review status: criteria provided, single submitter. Criteria: Ambry Variant Classification Scheme 2023. Collection method: clinical testing. Allele origin: germline.

NM_000327.4(ROM1):c.206C>G (p.Ala69Gly)

Gene: ROM1 (retinal outer segment membrane protein 1; plus strand). Cytogenetic location: 11q12.3.
Variant type: single nucleotide variant.
Coding change: c.206C>G on transcript NM_000327.4 (MANE Select); coding-DNA position 206, C replaced by G.
Protein change: p.Ala69Gly; replaces alanine 69 with glycine.
Molecular consequence: missense variant.
Genome position (GRCh38, 1-based): chr11:62,613,487, C>G. VCF-style: chr11-62613487-C-G. GRCh37 (hg19) VCF-style: chr11-62380959-C-G.
Other names: c.206C>G (NM_000327.3); short protein forms A69G.
Identifiers: ClinVar variation 1360642 (VCV001360642.9), dbSNP rs748940521, ClinGen allele CA380968906.
Genomic context (GRCh38, chr11:62,613,487, plus strand): 5'-TTGGCACCTTCCTGGCTCCCTCCTGTCAGTTCCCTGTCCTGCCCCAGGCTGCCCTGGCAG[C>G]GGGCGCGGTGGCTCTGGGCACAGGACTAGTGGGTGTAGGAGCCAGCCGGGCAAGTCTGAA-3'
Protein context (NP_000318.2, residues 59-79): FPVLPQAALA[Ala69Gly]GAVALGTGLV